The following is an entry in ClinVar:

ClinVar aggregate classification (germline): Benign (1 of 4 stars; one submission).

Conditions:
Familial adenomatous polyposis 1 (FAP1). Also called: POLYPOSIS, ADENOMATOUS INTESTINAL; FAMILIAL ADENOMATOUS POLYPOSIS 1, ATTENUATED. Identifiers: MedGen C2713442, MONDO:0021056, OMIM 175100. Disease mechanism: loss of function.

Submission:

Myriad Genetics, Inc.
Classification: Benign for Familial adenomatous polyposis 1. Last evaluated: 2024-03-01. Review status: criteria provided, single submitter. Criteria: Myriad Autosomal Dominant, Autosomal Recessive and X-Linked Classification Criteria (2023). Collection method: clinical testing. Allele origin: unknown.
Comment: This variant is considered benign. This variant is a silent/synonymous amino acid change and it is not expected to impact splicing.

NM_000038.6(APC):c.1200C>G (p.Gly400=)

Gene: APC (APC regulator of Wnt signaling pathway; plus strand). Cytogenetic location: 5q22.2.
Variant type: single nucleotide variant.
Coding change: c.1200C>G on transcript NM_000038.6 (MANE Select); coding-DNA position 1200, C replaced by G.
Protein change: p.Gly400=; no amino-acid change (glycine 400 retained).
Molecular consequence: synonymous variant. On other transcripts: non-coding transcript variant (2), intron variant (15).
Genome position (GRCh38, 1-based): chr5:112,819,232, C>G. VCF-style: chr5-112819232-C-G. GRCh37 (hg19) VCF-style: chr5-112154929-C-G.
Other names: c.1200C>G, p.Gly400= (NM_001127510.3, NM_001354895.2, NM_001354896.2 and 4 more transcripts); c.1146C>G, p.Gly382= (NM_001127511.3); c.1230C>G, p.Gly410= (NM_001354897.2, NM_001407446.1); c.1125C>G, p.Gly375= (NM_001354898.2, NM_001407451.1); c.1116C>G, p.Gly372= (NM_001354899.2, NM_001407452.1); c.1023C>G, p.Gly341= (NM_001354900.2, NM_001354901.2, NM_001407453.1); c.351C>G, p.Gly117= (NM_001354906.2, NM_001407470.1); c.85-37C>G (NM_001407472.1, NM_001407471.1); and 5 more.
Identifiers: ClinVar variation 3148265 (VCV003148265.1), dbSNP rs2533052644, ClinGen allele CA445960341.